The following is an entry in ClinVar:

ClinVar aggregate classification (germline): Likely benign. Review status: criteria provided, single submitter (1 of 4 stars). 2 submissions from 2 submitters: Likely benign (1). 1 of the submissions does not count toward it. Last evaluated 2023-05-31.

Conditions:
Microphthalmia with brain and digit anomalies (MCOPS6). Also called: MICROPHTHALMIA AND PITUITARY ANOMALIES; Microphthalmia, syndromic 6. Identifiers: Orphanet 139471, MedGen C1864689, MONDO:0011936, OMIM 607932.
Orofacial cleft 11 (OFC11). Also called: Orofacial cleft 11; ofc11; CLEFT LIP WITH OR WITHOUT CLEFT PALATE, NONSYNDROMIC, 11. Identifiers: MedGen C2677434, MONDO:0010906, OMIM 600625.
BMP4-related disorder. Also called: BMP4-related condition.

Allele frequency attached by ClinVar (database versions not stated): gnomAD 0.00001; TOPMed 0.00001; gnomAD exomes 0.00002.

Submissions (2):

Labcorp Genetics (formerly Invitae), Labcorp
Classification: Likely benign for Microphthalmia with brain and digit anomalies; Orofacial cleft 11. Last evaluated: 2023-05-31. Review status: criteria provided, single submitter. Criteria: Invitae Variant Classification Sherloc (09022015). Collection method: clinical testing. Allele origin: germline.

PreventionGenetics, part of Exact Sciences
Classification: Likely benign for BMP4-related condition. Last evaluated: 2021-05-11. Review status: no assertion criteria provided. Collection method: clinical testing. Allele origin: germline. Not counted in ClinVar's aggregate classification.
Comment: This variant is classified as likely benign based on ACMG/AMP sequence variant interpretation guidelines (Richards et al. 2015 PMID: 25741868, with internal and published modifications).

NM_001202.6(BMP4):c.954C>T (p.Ser318=)

Gene: BMP4 (bone morphogenetic protein 4; minus strand). Cytogenetic location: 14q22.2.
Variant type: single nucleotide variant.
Coding change: c.954C>T on transcript NM_001202.6 (MANE Select); coding-DNA position 954, C replaced by T.
Protein change: p.Ser318=; no amino-acid change (serine 318 retained).
Molecular consequence: synonymous variant.
Genome position (GRCh38, 1-based): chr14:53,950,305, G>A on the plus strand (C>T on the coding strand, the complement: BMP4 is on the minus strand). VCF-style: chr14-53950305-G-A. GRCh37 (hg19) VCF-style: chr14-54417023-G-A.
Other names: c.1095C>T, p.Ser365= (NM_001347912.1); c.765C>T, p.Ser255= (NM_001347913.2, NM_001347915.2, NM_001347917.1); c.954C>T, p.Ser318= (NM_001347914.2, NM_001347916.1, NM_130850.5 and 1 more transcripts); c.954C>T (NM_001202.5).
Identifiers: ClinVar variation 2926155 (VCV002926155.5), dbSNP rs112898335, ClinGen allele CA261472660.